The following is an entry in ClinVar:

ClinVar aggregate classification (germline): Uncertain significance (1 of 4 stars; one submission).

Conditions:
Congenital disorder of glycosylation type Ir (CDG1R). Also called: DDOST-congenital disorder of glycosylation. Identifiers: Orphanet 300536, MedGen C3281084, MONDO:0013789, OMIM 614507.

Submission:

Labcorp Genetics (formerly Invitae), Labcorp
Classification: Uncertain significance for Congenital disorder of glycosylation type Ir. Last evaluated: 2024-08-11. Review status: criteria provided, single submitter. Criteria: Invitae Variant Classification Sherloc (09022015). Collection method: clinical testing. Allele origin: germline.
Comment: This sequence change replaces serine, which is neutral and polar, with glycine, which is neutral and non-polar, at codon 376 of the DDOST protein (p.Ser376Gly). This variant is not present in population databases (gnomAD no frequency). This variant has not been reported in the literature in individuals affected with DDOST-related conditions. An algorithm developed to predict the effect of missense changes on protein structure and function (PolyPhen-2) suggests that this variant is likely to be tolerated. In summary, the available evidence is currently insufficient to determine the role of this variant in disease. Therefore, it has been classified as a Variant of Uncertain Significance.

NM_005216.5(DDOST):c.1075A>G (p.Ser359Gly)

Gene: DDOST (dolichyl-diphosphooligosaccharide--protein glycosyltransferase non-catalytic subunit; minus strand). Cytogenetic location: 1p36.12.
Variant type: single nucleotide variant.
Coding change: c.1075A>G on transcript NM_005216.5 (MANE Select); coding-DNA position 1075, A replaced by G.
Protein change: p.Ser359Gly; replaces serine 359 with glycine.
Molecular consequence: missense variant.
Genome position (GRCh38, 1-based): chr1:20,652,716, T>C on the plus strand (A>G on the coding strand, the complement: DDOST is on the minus strand). VCF-style: chr1-20652716-T-C. GRCh37 (hg19) VCF-style: chr1-20979209-T-C.
Other names: short protein forms S359G.
Identifiers: ClinVar variation 3710308 (VCV003710308.2).